The following is an entry in ClinVar:

ClinVar aggregate classification (germline): Uncertain significance (1 of 4 stars; one submission).

Conditions:
EAST syndrome (SESAMES). Also called: SEIZURES, SENSORINEURAL DEAFNESS, ATAXIA, IMPAIRED INTELLECTUAL DEVELOPMENT, AND ELECTROLYTE IMBALANCE. Identifiers: Orphanet 199343, MedGen C2748572, MONDO:0013005, OMIM 612780.

Allele frequency attached by ClinVar (database versions not stated): TOPMed below 0.00001; gnomAD 0.00001.

Submission:

Labcorp Genetics (formerly Invitae), Labcorp
Classification: Uncertain significance for EAST syndrome. Last evaluated: 2019-10-20. Review status: criteria provided, single submitter. Criteria: Invitae Variant Classification Sherloc (09022015). Collection method: clinical testing. Allele origin: germline.
Comment: In summary, the available evidence is currently insufficient to determine the role of this variant in disease. Therefore, it has been classified as a Variant of Uncertain Significance. Algorithms developed to predict the effect of missense changes on protein structure and function are either unavailable or do not agree on the potential impact of this missense change (SIFT: "Tolerated"; PolyPhen-2: "Probably Damaging"; Align-GVGD: "Class C0"). This variant has not been reported in the literature in individuals with KCNJ10-related conditions. This variant is not present in population databases (ExAC no frequency). This sequence change replaces leucine with methionine at codon 151 of the KCNJ10 protein (p.Leu151Met). The leucine residue is highly conserved and there is a small physicochemical difference between leucine and methionine.

NM_002241.5(KCNJ10):c.451C>A (p.Leu151Met)

Gene: KCNJ10 (potassium inwardly rectifying channel subfamily J member 10; minus strand). Cytogenetic location: 1q23.2.
Variant type: single nucleotide variant.
Coding change: c.451C>A on transcript NM_002241.5 (MANE Select); coding-DNA position 451, C replaced by A.
Protein change: p.Leu151Met; replaces leucine 151 with methionine.
Molecular consequence: missense variant.
Genome position (GRCh38, 1-based): chr1:160,042,082, G>T on the plus strand (C>A on the coding strand, the complement: KCNJ10 is on the minus strand). VCF-style: chr1-160042082-G-T. GRCh37 (hg19) VCF-style: chr1-160011872-G-T.
Other names: short protein forms L151M.
Identifiers: ClinVar variation 964092 (VCV000964092.10), dbSNP rs1409713469, ClinGen allele CA343227076.